The following is an entry in ClinVar:

ClinVar aggregate classification (germline): Uncertain significance. Review status: criteria provided, multiple submitters, no conflicts (2 of 4 stars). 2 submissions from 2 submitters: Uncertain significance (2). Last evaluated 2025-11-12.

Conditions:
Cardiovascular phenotype. Identifiers: MedGen CN230736.
RASopathy. Also called: Noonan spectrum disorder; rasopathies. Identifiers: Orphanet 536391, MedGen C5555857, MONDO:0021060.

Allele frequency attached by ClinVar (database versions not stated): gnomAD exomes below 0.00001.

Submissions (2):

Labcorp Genetics (formerly Invitae), Labcorp
Classification: Uncertain significance for RASopathy. Last evaluated: 2025-11-12. Review status: criteria provided, single submitter. Criteria: Invitae Variant Classification Sherloc (09022015). Collection method: clinical testing. Allele origin: germline.
Comment: This sequence change replaces methionine, which is neutral and non-polar, with valine, which is neutral and non-polar, at codon 98 of the MAP2K2 protein (p.Met98Val). The frequency data for this variant in the population databases is considered unreliable, as metrics indicate poor data quality at this position in the gnomAD database. This variant has not been reported in the literature in individuals affected with MAP2K2-related conditions. ClinVar contains an entry for this variant (Variation ID: 1393224). Invitae Evidence Modeling of protein sequence and biophysical properties (such as structural, functional, and spatial information, amino acid conservation, physicochemical variation, residue mobility, and thermodynamic stability) has been performed for this missense variant. However, the output from this modeling did not meet the statistical confidence thresholds required to predict the impact of this variant on MAP2K2 protein function. In summary, the available evidence is currently insufficient to determine the role of this variant in disease. Therefore, it has been classified as a Variant of Uncertain Significance.

Ambry Genetics
Classification: Uncertain significance for Cardiovascular phenotype. Last evaluated: 2023-12-15. Review status: criteria provided, single submitter. Criteria: Ambry Variant Classification Scheme 2023. Collection method: clinical testing. Allele origin: germline.
Comment: The p.M98V variant (also known as c.292A>G), located in coding exon 2 of the MAP2K2 gene, results from an A to G substitution at nucleotide position 292. The methionine at codon 98 is replaced by valine, an amino acid with highly similar properties. This amino acid position is conserved. In addition, this alteration is predicted to be deleterious by in silico analysis. Since supporting evidence is limited at this time, the clinical significance of this alteration remains unclear.

NM_030662.4(MAP2K2):c.292A>G (p.Met98Val)

Gene: MAP2K2 (mitogen-activated protein kinase kinase 2; minus strand). Cytogenetic location: 19p13.3.
Variant type: single nucleotide variant.
Coding change: c.292A>G on transcript NM_030662.4 (MANE Select); coding-DNA position 292, A replaced by G.
Protein change: p.Met98Val; replaces methionine 98 with valine.
Molecular consequence: missense variant.
Genome position (GRCh38, 1-based): chr19:4,117,430, T>C on the plus strand (A>G on the coding strand, the complement: MAP2K2 is on the minus strand). VCF-style: chr19-4117430-T-C. GRCh37 (hg19) VCF-style: chr19-4117428-T-C.
Other names: c.292A>G (NM_030662.3); short protein forms M98V.
Identifiers: ClinVar variation 1393224 (VCV001393224.7), dbSNP rs1484288126, ClinGen allele CA403392391.
Genomic context (GRCh38, chr19:4,117,430, plus strand): 5'-GGGGACCTTCCCCACCACTCCCCGACCTCCCCGACCCCGCAGTGCTCACCTTCCTGGCCA[T>C]GATGAGGCCCGAGGGTCTGTGCTGGACTTTGGTGACCACCCCGCCGTTGCCCGCGCCCAG-3'
Protein context (NP_109587.1, residues 88-108): KVQHRPSGLI[Met98Val]ARKLIHLEIK